The following is an entry in ClinVar:

NM_006016.6(CD164):c.88C>T (p.His30Tyr)

Gene: CD164 (CD164 molecule; minus strand). Cytogenetic location: 6q21.
Variant type: single nucleotide variant.
Coding change: c.88C>T on transcript NM_006016.6 (MANE Select); coding-DNA position 88, C replaced by T.
Protein change: p.His30Tyr; replaces histidine 30 with tyrosine.
Molecular consequence: missense variant.
Genome position (GRCh38, 1-based): chr6:109,382,291, G>A on the plus strand (C>T on the coding strand, the complement: CD164 is on the minus strand). VCF-style: chr6-109382291-G-A. GRCh37 (hg19) VCF-style: chr6-109703494-G-A.
Other names: c.88C>T, p.His30Tyr (NM_001142401.3, NM_001142402.3, NM_001142403.3 and 1 more transcripts); short protein forms H30Y.
Identifiers: ClinVar variation 1374024 (VCV001374024.6), dbSNP rs750780867, ClinGen allele CA3951713.

ClinVar aggregate classification (germline): Uncertain significance (1 of 4 stars; one submission).

Allele frequency attached by ClinVar (database versions not stated): gnomAD exomes 0.00001 and 0.00002; ExAC 0.00003; gnomAD 0.00003 and 0.00004; TOPMed 0.00003.
gnomAD v4.1: 19 of 1,584,946 alleles (0.0012%); highest among the groups gnomAD compares: Admixed American, 0.0036%; no homozygotes.

Submission:

Labcorp Genetics (formerly Invitae), Labcorp
Classification: Uncertain significance. Last evaluated: 2025-06-20. Review status: criteria provided, single submitter. Criteria: Invitae Variant Classification Sherloc (09022015). Collection method: clinical testing. Allele origin: germline.
Comment: This sequence change replaces histidine, which is basic and polar, with tyrosine, which is neutral and polar, at codon 30 of the CD164 protein (p.His30Tyr). The frequency data for this variant in the population databases is considered unreliable, as metrics indicate poor data quality at this position in the gnomAD database. This variant has not been reported in the literature in individuals affected with CD164-related conditions. ClinVar contains an entry for this variant (Variation ID: 1374024). An algorithm developed to predict the effect of missense changes on protein structure and function (PolyPhen-2) suggests that this variant is likely to be tolerated. In summary, the available evidence is currently insufficient to determine the role of this variant in disease. Therefore, it has been classified as a Variant of Uncertain Significance.